The following is an entry in ClinVar:

NM_016507.4(CDK12):c.829C>T (p.Pro277Ser)

Genes: CDK12 (cyclin dependent kinase 12; plus strand), LOC126862553 (CDK7 strongly-dependent group 2 enhancer GRCh37_chr17:37618166-37619365; plus strand). Cytogenetic location: 17q12.
Variant type: single nucleotide variant.
Coding change: c.829C>T on transcript NM_016507.4 (MANE Select); coding-DNA position 829, C replaced by T.
Protein change: p.Pro277Ser; replaces proline 277 with serine.
Molecular consequence: missense variant.
Genome position (GRCh38, 1-based): chr17:39,462,900, C>T. VCF-style: chr17-39462900-C-T. GRCh37 (hg19) VCF-style: chr17-37619153-C-T.
Other names: c.829C>T, p.Pro277Ser (NM_015083.4); short protein forms P277S.
Identifiers: ClinVar variation 4651498 (VCV004651498.1).

ClinVar aggregate classification (germline): Uncertain significance (1 of 4 stars; one submission).

Submission:

Ambry Genetics
Classification: Uncertain significance. Last evaluated: 2025-12-13. Review status: criteria provided, single submitter. Criteria: Ambry Variant Classification Scheme 2023. Collection method: clinical testing. Allele origin: germline.
Comment: The p.P277S variant (also known as c.829C>T), located in coding exon 1 of the CDK12 gene, results from a C to T substitution at nucleotide position 829. The proline at codon 277 is replaced by serine, an amino acid with similar properties. This amino acid position is conserved. In addition, this alteration is predicted to be tolerated by in silico analysis. Based on the available evidence, the clinical significance of this variant remains unclear.